The following is an entry in ClinVar:

ClinVar aggregate classification (germline): Likely benign. Review status: criteria provided, multiple submitters, no conflicts (2 of 4 stars). 2 submissions from 2 submitters: Likely benign (2). Last evaluated 2025-12-22.

Conditions:
Catecholaminergic polymorphic ventricular tachycardia (CVPT). Also called: Catecholamine-induced polymorphic ventricular tachycardia. Identifiers: Orphanet 3286, MedGen C5574922, MONDO:0017990.
Catecholaminergic polymorphic ventricular tachycardia 1. Also called: VENTRICULAR TACHYCARDIA, STRESS-INDUCED POLYMORPHIC 1; VENTRICULAR TACHYCARDIA, CATECHOLAMINERGIC POLYMORPHIC, 1, WITH OR WITHOUT ATRIAL DYSFUNCTION AND/OR DILATED CARDIOMYOPATHY; RYR2-Related Catecholaminergic Polymorphic Ventricular Tachycardia. Identifiers: Orphanet 3286, MedGen C1631597, MONDO:0011484, OMIM 604772.

Allele frequency attached by ClinVar (database versions not stated): gnomAD exomes below 0.00001; ExAC 0.00001; TOPMed 0.00001; ESP Exome Variant Server 0.00008.
gnomAD v4.1: 2 of 1,612,562 alleles (0.00012%); highest among the groups gnomAD compares: African/African-American, 0.0027%; no homozygotes.

Submissions (2):

Labcorp Genetics (formerly Invitae), Labcorp
Classification: Likely benign for Catecholaminergic polymorphic ventricular tachycardia 1. Last evaluated: 2025-12-22. Review status: criteria provided, single submitter. Criteria: Invitae Variant Classification Sherloc (09022015). Collection method: clinical testing. Allele origin: germline.

All of Us Research Program, National Institutes of Health
Classification: Likely benign for Catecholaminergic polymorphic ventricular tachycardia. Last evaluated: 2023-11-02. Review status: criteria provided, single submitter. Criteria: ACMG Guidelines, 2015. Collection method: clinical testing. Allele origin: germline. Inheritance: Autosomal dominant inheritance. Observed: 1 variant allele, 1 heterozygote.
Comment: This study involves interpretation of variants in research participants for the purpose of population health screening. Participant phenotype was not available at the time of variant classification. Additional details can be found in publication PMID: 35346344, PMCID: PMC8962531

NM_001035.3(RYR2):c.9954T>C (p.His3318=)

Gene: RYR2 (ryanodine receptor 2; plus strand). Cytogenetic location: 1q43.
Variant type: single nucleotide variant.
Coding change: c.9954T>C on transcript NM_001035.3 (MANE Select); coding-DNA position 9954, T replaced by C.
Protein change: p.His3318=; no amino-acid change (histidine 3318 retained).
Molecular consequence: synonymous variant.
Genome position (GRCh38, 1-based): chr1:237,708,910, T>C. VCF-style: chr1-237708910-T-C. GRCh37 (hg19) VCF-style: chr1-237872210-T-C.
Identifiers: ClinVar variation 759534 (VCV000759534.13), dbSNP rs371965471, ClinGen allele CA087986.